The following is an entry in ClinVar:

NM_004281.4(BAG3):c.280_284dup (p.Ile96fs)

Gene: BAG3 (BAG cochaperone 3; plus strand). Cytogenetic location: 10q26.11.
Variant type: Duplication.
Coding change: c.280_284dup on transcript NM_004281.4 (MANE Select); coding-DNA positions 280 to 284, 5 bases duplicated (ATTCC; older notation c.280_284dupATTCC).
Protein change: p.Ile96fs; shifts the reading frame from isoleucine 96.
Molecular consequence: frameshift variant.
Genome position (GRCh38, 1-based): chr10:119,669,950-119,669,954, ATTCC duplicated; duplicating any 5 consecutive bases within chr10:119,669,949-119,669,954 gives the same sequence; the c. name uses the placement nearest the transcript's 3' end. VCF-style (leftmost placement, unchanged base first): chr10-119669948-A-ACATTC. GRCh37 (hg19) VCF-style: chr10-121429460-A-ACATTC.
Other names: short protein forms I96fs.
Identifiers: ClinVar variation 2953904 (VCV002953904.3), dbSNP rs2494009217, ClinGen allele CA2740093561.

ClinVar aggregate classification (germline): Pathogenic (1 of 4 stars; one submission).

Conditions:
Dilated cardiomyopathy 1HH (CMD1HH). Identifiers: Orphanet 154, MedGen C3151293, MONDO:0013479, OMIM 613881.
Myofibrillar myopathy 6. Identifiers: Orphanet 199340, MedGen C2751831, MONDO:0013061, OMIM 612954.

Submission:

Labcorp Genetics (formerly Invitae), Labcorp
Classification: Pathogenic for Dilated cardiomyopathy 1HH; Myofibrillar myopathy 6. Last evaluated: 2023-11-15. Review status: criteria provided, single submitter. Criteria: Invitae Variant Classification Sherloc (09022015). Collection method: clinical testing. Allele origin: germline.
Comment: This sequence change creates a premature translational stop signal (p.Ile96Phefs*117) in the BAG3 gene. It is expected to result in an absent or disrupted protein product. Loss-of-function variants in BAG3 are known to be pathogenic (PMID: 21353195, 25008357). This variant is not present in population databases (gnomAD no frequency). This variant has not been reported in the literature in individuals affected with BAG3-related conditions. For these reasons, this variant has been classified as Pathogenic.

Literature cited by the submitters: PubMed 21353195; PubMed 25008357.